The following is an entry in ClinVar:

NM_032520.5(GNPTG):c.823_823+1insTGCT

Gene: GNPTG (N-acetylglucosamine-1-phosphate transferase subunit gamma; plus strand). Cytogenetic location: 16p13.3.
Variant type: Insertion.
Coding change: c.823_823+1insTGCT on transcript NM_032520.5 (MANE Select); coding-DNA position 823 through the canonical splice donor site of the intron after coding-DNA position 823, TGCT inserted.
Molecular consequence: splice donor variant.
Genome position: GRCh38 VCF-style: chr16-1362906-G-GTGCT. GRCh37 (hg19) VCF-style: chr16-1412907-G-GTGCT.
Identifiers: ClinVar variation 3234887 (VCV003234887.1), dbSNP rs2548191594, ClinGen allele CA2825002320.

ClinVar aggregate classification (germline): Uncertain significance (1 of 4 stars; one submission).

Conditions:
GNPTG-mucolipidosis. Also called: ML III GAMMA; ML IIIC; MUCOLIPIDOSIS III, COMPLEMENTATION GROUP C; MUCOLIPIDOSIS III, IRANIAN VARIANT FORM; MUCOLIPIDOSIS III, VARIANT FORM; Mucolipidosis type III gamma. Identifiers: Orphanet 423470, Orphanet 577, MedGen C1854896, MONDO:0009652, OMIM 252605.

Submission:

Neuberg Centre For Genomic Medicine, NCGM
Classification: Uncertain significance for GNPTG-mucolipidosis. Review status: criteria provided, single submitter. Criteria: ACMG Guidelines, 2015. Collection method: clinical testing. Allele origin: germline. Inheritance: Autosomal recessive inheritance. Affected: yes.
Comment: The frameshift c.823_823+1insTGCT p.Glu275ValfsTer25 variant in GNPTG gene has not been reported previously as a pathogenic variant nor as a benign variant, to our knowledge. The p.Glu275ValfsTer25 variant is novel not in any individuals in both gnomAD Exomes and 1000 Genomes databases. This variant has not been reported to the ClinVar database. This variant causes a frameshift starting with codon Glutamic Acid 275, changes this amino acid to Valine residue, and creates a premature Stop codon at position 25 of the new reading frame, denoted p.Glu275ValfsTer25. Loss of function variants have been previously reported to be disease causing. However, since this variant is present in the penultimate exon, functional studies will be required to prove protein truncation. Hence, this variant is classified as a Variant of Uncertain Significance VUS.